The following is an entry in ClinVar:

NM_001100913.3(PACS2):c.41_58dup (p.Pro19_Val20insGlyAlaLeuAsnThrPro)

Genes: BRF1 (BRF1 general transcription factor IIIB subunit; minus strand), PACS2 (phosphofurin acidic cluster sorting protein 2; plus strand). Cytogenetic location: 14q32.33.
Variant type: Duplication.
Coding change: c.41_58dup on transcript NM_001100913.3 (MANE Select); coding-DNA positions 41 to 58, 18 bases duplicated (GCGCGCTCAACACGCCCG).
Protein change: p.Pro19_Val20insGlyAlaLeuAsnThrPro.
Molecular consequence: inframe insertion. On other transcripts: intron variant (4).
Genome position (GRCh38, 1-based): chr14:105,314,959-105,314,976, GCGCGCTCAACACGCCCG duplicated; duplicating any 18 consecutive bases within chr14:105,314,953-105,314,976 gives the same sequence; the c. name uses the placement nearest the transcript's 3' end. VCF-style (leftmost placement, unchanged base first): chr14-105314952-G-GCGCCCGGCGCGCTCAACA. GRCh37 (hg19) VCF-style: chr14-105781289-G-GCGCCCGGCGCGCTCAACA.
Other names: c.41_58dup, p.Pro19_Val20insGlyAlaLeuAsnThrPro (NM_015197.4); c.-162+352_-162+369dup (NM_001440451.1, NM_001242787.2, NM_001242786.2); c.-83+13980_-83+13997dup (NM_001243127.3).
Identifiers: ClinVar variation 1949382 (VCV001949382.4), dbSNP rs2058501205, ClinGen allele CA966963768.

ClinVar aggregate classification (germline): Uncertain significance (1 of 4 stars; one submission).

Submission:

Labcorp Genetics (formerly Invitae), Labcorp
Classification: Uncertain significance. Last evaluated: 2024-06-26. Review status: criteria provided, single submitter. Criteria: Invitae Variant Classification Sherloc (09022015). Collection method: clinical testing. Allele origin: germline.
Comment: This variant, c.41_58dup, results in the insertion of 6 amino acid(s) of the PACS2 protein (p.Gly14_Pro19dup), but otherwise preserves the integrity of the reading frame. This variant is not present in population databases (gnomAD no frequency). This variant has not been reported in the literature in individuals affected with PACS2-related conditions. ClinVar contains an entry for this variant (Variation ID: 1949382). In summary, the available evidence is currently insufficient to determine the role of this variant in disease. Therefore, it has been classified as a Variant of Uncertain Significance.